The following is an entry in ClinVar:

ClinVar aggregate classification (germline): Likely pathogenic (1 of 4 stars; one submission).

Conditions:
Galactosylceramide beta-galactosidase deficiency. Also called: Krabbe Disease; Leukodystrophy, Globoid Cell; GALACTOCEREBROSIDASE DEFICIENCY; GALC DEFICIENCY; GLOBOID CELL LEUKOENCEPHALOPATHY. Identifiers: Orphanet 487, MedGen C0023521, MONDO:0009499, OMIM 245200.

Submission:

Women's Health and Genetics/Laboratory Corporation of America, LabCorp
Classification: Likely pathogenic for Galactosylceramide beta-galactosidase deficiency. Last evaluated: 2022-08-10. Review status: criteria provided, single submitter. Criteria: LabCorp Variant Classification Summary - May 2015. Collection method: clinical testing. Allele origin: germline.
Comment: Variant summary: GALC c.1952G>A (p.Trp651X) results in a premature termination codon, predicted to cause a truncation of the encoded protein or absence of the protein due to nonsense mediated decay, which are commonly known mechanisms for disease. Truncations downstream of this position have been cited in ClinVar and HGMD as pathogenic and disease-associated. The variant was absent in 247910 control chromosomes (gnomAD). p.Trp651X has been reported in the literature in at least one compound heterozygous fetus with prenatal enzymatic diagnosis of Krabbe Disease (Verma_2015). No clinical diagnostic laboratories have submitted clinical-significance assessments for this variant to ClinVar after 2014. Based on the evidence outlined above, the variant was classified as likely pathogenic.

Literature cited by the submitters: PubMed 26223439.

NM_000153.4(GALC):c.1952G>A (p.Trp651Ter)

Gene: GALC (galactosylceramidase; minus strand). Cytogenetic location: 14q31.3.
Variant type: single nucleotide variant.
Coding change: c.1952G>A on transcript NM_000153.4 (MANE Select); coding-DNA position 1952, G replaced by A.
Protein change: p.Trp651Ter; replaces tryptophan 651 with a stop codon.
Molecular consequence: nonsense.
Genome position (GRCh38, 1-based): chr14:87,934,838, C>T on the plus strand (G>A on the coding strand, the complement: GALC is on the minus strand). VCF-style: chr14-87934838-C-T. GRCh37 (hg19) VCF-style: chr14-88401182-C-T.
Other names: c.1883G>A, p.Trp628Ter (NM_001201401.2); c.1874G>A, p.Trp625Ter (NM_001201402.2); short protein forms W625*, W628*, W651*.
Identifiers: ClinVar variation 1705063 (VCV001705063.1), dbSNP rs2503316638, ClinGen allele CA390745301.